The following is an entry in ClinVar:

NM_203447.4(DOCK8):c.3481G>A (p.Gly1161Arg)

Gene: DOCK8 (dedicator of cytokinesis 8; plus strand). Cytogenetic location: 9p24.3.
Variant type: single nucleotide variant.
Coding change: c.3481G>A on transcript NM_203447.4 (MANE Select); coding-DNA position 3481, G replaced by A.
Protein change: p.Gly1161Arg; replaces glycine 1161 with arginine.
Molecular consequence: missense variant.
Genome position (GRCh38, 1-based): chr9:407,020, G>A. VCF-style: chr9-407020-G-A. GRCh37 (hg19) VCF-style: chr9-407020-G-A.
Other names: c.3181G>A, p.Gly1061Arg (NM_001190458.2); c.3277G>A, p.Gly1093Arg (NM_001193536.2); short protein forms G1061R, G1093R, G1161R.
Identifiers: ClinVar variation 1004850 (VCV001004850.9), dbSNP rs139289534, ClinGen allele CA4958699.
Genomic context (GRCh38, chr9:407,020, plus strand): 5'-CAGAAGATCGCCAGCATGTTCGATCTGACTTCCGAGTACCGCCAGCAGCACTTCCTCACC[G>A]GGCTCCTCTTCACAGAACTGGCTGCTGCCCTGGATGCCGAAGGGGAAGGGTATGTTTCTG-3'
Protein context (NP_982272.2, residues 1151-1171): SEYRQQHFLT[Gly1161Arg]LLFTELAAAL

ClinVar aggregate classification (germline): Uncertain significance (1 of 4 stars; one submission).

Conditions:
Combined immunodeficiency due to DOCK8 deficiency (HIES2). Also called: HIES autosomal recessive; Hyper-IgE recurrent infection syndrome, autosomal recessive; DOCK8 Deficiency; HYPER-IgE RECURRENT INFECTION SYNDROME 2, AUTOSOMAL RECESSIVE; HYPER-IgE SYNDROME 2, AUTOSOMAL RECESSIVE, WITH RECURRENT INFECTIONS. Identifiers: Orphanet 217390, MedGen C4722305, MONDO:0009478, OMIM 243700.

Allele frequency attached by ClinVar (database versions not stated): ExAC 0.00001; gnomAD exomes 0.00002; ESP Exome Variant Server 0.00008.
gnomAD v4.1: 7 of 1,614,090 alleles (0.00043%); highest among the groups gnomAD compares: Admixed American, 0.0033%; no homozygotes.

Submission:

Labcorp Genetics (formerly Invitae), Labcorp
Classification: Uncertain significance for Combined immunodeficiency due to DOCK8 deficiency. Last evaluated: 2020-07-26. Review status: criteria provided, single submitter. Criteria: Invitae Variant Classification Sherloc (09022015). Collection method: clinical testing. Allele origin: germline.
Comment: This sequence change replaces glycine with arginine at codon 1161 of the DOCK8 protein (p.Gly1161Arg). The glycine residue is highly conserved and there is a moderate physicochemical difference between glycine and arginine. This variant is present in population databases (rs139289534, ExAC 0.001%). This variant has not been reported in the literature in individuals with DOCK8-related conditions. Algorithms developed to predict the effect of missense changes on protein structure and function (SIFT, PolyPhen-2, Align-GVGD) all suggest that this variant is likely to be disruptive, but these predictions have not been confirmed by published functional studies and their clinical significance is uncertain. Algorithms developed to predict the effect of sequence changes on RNA splicing suggest that this variant may create or strengthen a splice site, but this prediction has not been confirmed by published transcriptional studies. In summary, the available evidence is currently insufficient to determine the role of this variant in disease. Therefore, it has been classified as a Variant of Uncertain Significance.